The following is an entry in ClinVar:

ClinVar aggregate classification (germline): Likely pathogenic (1 of 4 stars; one submission).

Conditions:
Hereditary cancer-predisposing syndrome. Also called: Neoplastic Syndromes, Hereditary; Tumor predisposition; Hereditary neoplastic syndrome; Hereditary Cancer Syndrome. Identifiers: Orphanet 140162, MedGen C0027672, MeSH D009386, MONDO:0015356.

Submission:

Ambry Genetics
Classification: Likely pathogenic for Hereditary cancer-predisposing syndrome. Last evaluated: 2023-11-02. Review status: criteria provided, single submitter. Criteria: Ambry Variant Classification Scheme 2023. Collection method: clinical testing. Allele origin: germline.
Comment: The c.2251-1G>C intronic variant results from a G to C substitution one nucleotide upstream from coding exon 15 of the PTCH1 gene. Alterations that disrupt the canonical splice site are expected to cause aberrant splicing, resulting in an abnormal protein or a transcript that is subject to nonsense-mediated mRNA decay. This variant is considered to be rare based on population cohorts in the Genome Aggregation Database (gnomAD). This nucleotide position is highly conserved in available vertebrate species. In silico splice site analysis predicts that this alteration will weaken the native splice acceptor site and may result in the creation or strengthening of a novel splice acceptor site; however, direct evidence is insufficient at this time (Ambry internal data). Based on the majority of available evidence to date, this variant is likely to be pathogenic.

NM_000264.5(PTCH1):c.2251-1G>C

Genes: PTCH1 (patched 1; minus strand), LOC100507346 (uncharacterized LOC100507346; plus strand). Cytogenetic location: 9q22.32.
Variant type: single nucleotide variant.
Coding change: c.2251-1G>C on transcript NM_000264.5 (MANE Select); the canonical splice acceptor site of the intron before coding-DNA position 2251, G replaced by C.
Molecular consequence: splice acceptor variant. On other transcripts: non-coding transcript variant (1).
Genome position (GRCh38, 1-based): chr9:95,467,426, C>G on the plus strand (G>C on the coding strand, the complement: PTCH1 is on the minus strand). VCF-style: chr9-95467426-C-G. GRCh37 (hg19) VCF-style: chr9-98229708-C-G.
Other names: c.2248-1G>C (NM_001083603.3); c.2053-1G>C (NM_001083602.3); c.2095-1G>C (NM_001354918.2); c.1798-1G>C (NM_001083605.3, NM_001083604.3, NM_001083606.3 and 1 more transcripts).
Identifiers: ClinVar variation 3230977 (VCV003230977.1), dbSNP rs2538134281, ClinGen allele CA374114775.